The following is an entry in ClinVar:

ClinVar aggregate classification (germline): Pathogenic (1 of 4 stars; one submission).

Conditions:
Polycystic kidney disease 3 with or without polycystic liver disease. Also called: POLYCYSTIC KIDNEY DISEASE, ADULT, TYPE III; Polycystic kidney disease 3; Polycystic Kidney and/or Polycystic Liver Disease 3. Identifiers: MedGen C3887964, MONDO:0010916, OMIM 600666.

Submission:

Victorian Clinical Genetics Services, Murdoch Childrens Research Institute
Classification: Pathogenic for Polycystic kidney disease 3 with or without polycystic liver disease. Last evaluated: 2024-09-23. Review status: criteria provided, single submitter. Criteria: ACMG Guidelines, 2015. Collection method: clinical testing. Allele origin: germline. Inheritance: Autosomal dominant inheritance. Affected: yes.
Comment: Based on the classification scheme VCGS_Germline_v1.3.4, this variant is classified as Pathogenic. Following criteria are met: 0102 - Loss of function is a known mechanism of disease in this gene and is associated with polycystic kidney disease 3 (MIM#600666). (I) 0107 - This gene is associated with autosomal dominant disease. (I) 0201 - Variant is predicted to cause nonsense-mediated decay (NMD) and loss of protein (premature termination codon is located at least 54 nucleotides upstream of the final exon-exon junction). (SP) 0251 - This variant is heterozygous. (I) 0301 - Variant is absent from gnomAD (both v2 and v3). (SP) 0701 - Other NMD predicted variants comparable to the one identified in this case have very strong previous evidence for pathogenicity (DECIPHER). (SP) 0807 - This variant has no previous evidence of pathogenicity. (I) 0905 - No published segregation evidence has been identified for this variant. (I) 1007 - No published functional evidence has been identified for this variant. (I) 1208 - Inheritance information for this variant is not currently available in this individual. (I) Legend: (SP) - Supporting pathogenic, (I) - Information, (SB) - Supporting benign

NM_198334.3(GANAB):c.1495G>T (p.Glu499Ter)

Gene: GANAB (glucosidase II alpha subunit; minus strand). Cytogenetic location: 11q12.3.
Variant type: single nucleotide variant.
Coding change: c.1495G>T on transcript NM_198334.3 (MANE Select); coding-DNA position 1495, G replaced by T.
Protein change: p.Glu499Ter; replaces glutamic acid 499 with a stop codon.
Molecular consequence: nonsense.
Genome position (GRCh38, 1-based): chr11:62,630,397, C>A on the plus strand (G>T on the coding strand, the complement: GANAB is on the minus strand). VCF-style: chr11-62630397-C-A. GRCh37 (hg19) VCF-style: chr11-62397869-C-A.
Other names: c.1219G>T, p.Glu407Ter (NM_001278192.2); c.1153G>T, p.Glu385Ter (NM_001278193.2); c.1204G>T, p.Glu402Ter (NM_001278194.2, NM_001329222.2, NM_001329223.2); c.772G>T, p.Glu258Ter (NM_001329224.2, NM_001329225.2); c.1561G>T, p.Glu521Ter (NM_198335.4); short protein forms E258*, E385*, E402*, E407*, E499*, E521*.
Identifiers: ClinVar variation 3254987 (VCV003254987.2), dbSNP rs2496332664.